The following is an entry in ClinVar:

ClinVar aggregate classification (germline): Likely benign (1 of 4 stars; one submission).

Conditions:
ACE-related disorder. Also called: ACE-related disorders; ACE-related condition.

gnomAD v4.1: 83 of 1,611,294 alleles (0.0052%); highest among the groups gnomAD compares: Middle Eastern, 0.016%; no homozygotes.

Submission:

PreventionGenetics, part of Exact Sciences
Classification: Likely benign for ACE-related condition. Last evaluated: 2025-01-16. Review status: criteria provided, single submitter. Criteria: ACMG Guidelines, 2015. Collection method: clinical testing. Allele origin: germline.
Comment: This variant is classified as likely benign based on ACMG/AMP sequence variant interpretation guidelines (Richards et al. 2015 PMID: 25741868, with internal and published modifications).

NM_000789.4(ACE):c.3380+6G>A

Gene: ACE (angiotensin I converting enzyme; plus strand). Cytogenetic location: 17q23.3.
Variant type: single nucleotide variant.
Coding change: c.3380+6G>A on transcript NM_000789.4 (MANE Select); 6 bases into the intron after coding-DNA position 3380, G replaced by A.
Molecular consequence: intron variant.
Genome position (GRCh38, 1-based): chr17:63,494,476, G>A. VCF-style: chr17-63494476-G-A. GRCh37 (hg19) VCF-style: chr17-61571837-G-A.
Other names: c.2528+6G>A (NM_001382701.1); c.2813+6G>A (NM_001382700.1); c.1658+6G>A (NM_152830.3, NM_001178057.2); c.1118+6G>A (NM_001382702.1).
Identifiers: ClinVar variation 4983327 (VCV004983327.1).